The following is an entry in ClinVar:

NM_052989.3(IFT122):c.3115A>G (p.Thr1039Ala)

Gene: IFT122 (intraflagellar transport 122; plus strand). Cytogenetic location: 3q22.1.
Variant type: single nucleotide variant.
Coding change: c.3115A>G on transcript NM_052989.3 (MANE Select); coding-DNA position 3115, A replaced by G.
Protein change: p.Thr1039Ala; replaces threonine 1039 with alanine.
Molecular consequence: missense variant.
Genome position (GRCh38, 1-based): chr3:129,514,516, A>G. VCF-style: chr3-129514516-A-G. GRCh37 (hg19) VCF-style: chr3-129233359-A-G.
Other names: c.2665A>G, p.Thr889Ala (NM_001280545.2); c.2488A>G, p.Thr830Ala (NM_001280546.2); c.3118A>G, p.Thr1040Ala (NM_001410808.1); c.3061A>G, p.Thr1021Ala (NM_001410809.1); c.2941A>G, p.Thr981Ala (NM_001410810.1); c.2887A>G, p.Thr963Ala (NM_001410811.1); c.2884A>G, p.Thr962Ala (NM_001410813.1); c.2782A>G, p.Thr928Ala (NM_001410815.1); and 5 more; short protein forms T830A, T1032A, T1039A, T1040A, T962A, T980A, T1021A, T889A.
Identifiers: ClinVar variation 2043820 (VCV002043820.4), dbSNP rs1578156201, ClinGen allele CA354487612.

ClinVar aggregate classification (germline): Uncertain significance (1 of 4 stars; one submission).

Conditions:
Cranioectodermal dysplasia 1 (CED1). Also called: LEVIN SYNDROME I. Identifiers: Orphanet 1515, MedGen C0432235, MONDO:0021093, OMIM 218330.

Allele frequency attached by ClinVar (database versions not stated): gnomAD exomes below 0.00001.
gnomAD v4.1: 3 of 1,614,174 alleles (0.00019%); highest among the groups gnomAD compares: Middle Eastern, 0.016%; no homozygotes.

Submission:

Labcorp Genetics (formerly Invitae), Labcorp
Classification: Uncertain significance for Cranioectodermal dysplasia 1. Last evaluated: 2022-07-30. Review status: criteria provided, single submitter. Criteria: Invitae Variant Classification Sherloc (09022015). Collection method: clinical testing. Allele origin: germline.
Comment: In summary, the available evidence is currently insufficient to determine the role of this variant in disease. Therefore, it has been classified as a Variant of Uncertain Significance. Algorithms developed to predict the effect of missense changes on protein structure and function (SIFT, PolyPhen-2, Align-GVGD) all suggest that this variant is likely to be tolerated. This variant has not been reported in the literature in individuals affected with IFT122-related conditions. This variant is not present in population databases (gnomAD no frequency). This sequence change replaces threonine, which is neutral and polar, with alanine, which is neutral and non-polar, at codon 1090 of the IFT122 protein (p.Thr1090Ala).